The following is an entry in ClinVar:

NM_004260.4(RECQL4):c.16G>A (p.Asp6Asn)

Genes: RECQL4 (RecQ like helicase 4; minus strand), LOC130001411 (ATAC-STARR-seq lymphoblastoid silent region 19699; plus strand). Cytogenetic location: 8q24.3.
Variant type: single nucleotide variant.
Coding change: c.16G>A on transcript NM_004260.4 (MANE Select); coding-DNA position 16, G replaced by A.
Protein change: p.Asp6Asn; replaces aspartic acid 6 with asparagine.
Molecular consequence: missense variant.
Genome position (GRCh38, 1-based): chr8:144,517,769, C>T on the plus strand (G>A on the coding strand, the complement: RECQL4 is on the minus strand). VCF-style: chr8-144517769-C-T. GRCh37 (hg19) VCF-style: chr8-145743153-C-T.
Other names: short protein forms D6N.
Identifiers: ClinVar variation 652369 (VCV000652369.13), dbSNP rs1009265867, ClinGen allele CA187691321.

ClinVar aggregate classification (germline): Uncertain significance. Review status: criteria provided, multiple submitters, no conflicts (2 of 4 stars). 4 submissions from 4 submitters: Uncertain significance (4). Last evaluated 2025-08-05.

Conditions:
Inborn genetic diseases. Identifiers: MedGen C0950123, MeSH D030342.
Baller-Gerold syndrome (BGS). Also called: CRANIOSYNOSTOSIS WITH RADIAL DEFECTS. Identifiers: Orphanet 1225, MedGen C0265308, MONDO:0009039, OMIM 218600.

Allele frequency attached by ClinVar (database versions not stated): gnomAD 0.00004; TOPMed 0.00004.
gnomAD v4.1: 20 of 1,274,408 alleles (0.0016%); highest among the groups gnomAD compares: African/African-American, 0.011%; no homozygotes.

Submissions (4):

Ambry Genetics
Classification: Uncertain significance for Inborn genetic diseases. Last evaluated: 2025-08-05. Review status: criteria provided, single submitter. Criteria: Ambry Variant Classification Scheme 2023. Collection method: clinical testing. Allele origin: germline.

Women's Health and Genetics/Laboratory Corporation of America, LabCorp
Classification: Uncertain significance. Last evaluated: 2025-04-04. Review status: criteria provided, single submitter. Criteria: LabCorp Variant Classification Summary - May 2015. Collection method: clinical testing. Allele origin: germline.
Comment: Variant summary: RECQL4 c.16G>A (p.Asp6Asn) results in a conservative amino acid change in the encoded protein sequence. Two of three in-silico tools predict a benign effect of the variant on protein function. The variant was absent in 29834 control chromosomes. The available data on variant occurrences in the general population are insufficient to allow any conclusion about variant significance. To our knowledge, no occurrence of c.16G>A in individuals affected with RECQL4-Related Disorders and no experimental evidence demonstrating its impact on protein function have been reported. ClinVar contains an entry for this variant (Variation ID: 652369). Based on the evidence outlined above, the variant was classified as uncertain significance.

Labcorp Genetics (formerly Invitae), Labcorp
Classification: Uncertain significance for Baller-Gerold syndrome. Last evaluated: 2024-11-12. Review status: criteria provided, single submitter. Criteria: Invitae Variant Classification Sherloc (09022015). Collection method: clinical testing. Allele origin: germline.
Comment: This sequence change replaces aspartic acid, which is acidic and polar, with asparagine, which is neutral and polar, at codon 6 of the RECQL4 protein (p.Asp6Asn). This variant is present in population databases (no rsID available, gnomAD 0.02%). This variant has not been reported in the literature in individuals affected with RECQL4-related conditions. ClinVar contains an entry for this variant (Variation ID: 652369). An algorithm developed to predict the effect of missense changes on protein structure and function outputs the following: PolyPhen-2: "Not Available". The asparagine amino acid residue is found in multiple mammalian species, which suggests that this missense change does not adversely affect protein function. In summary, the available evidence is currently insufficient to determine the role of this variant in disease. Therefore, it has been classified as a Variant of Uncertain Significance.

GeneDx
Classification: Uncertain significance. Last evaluated: 2019-12-16. Review status: criteria provided, single submitter. Criteria: GeneDx Variant Classification Process June 2021. Collection method: clinical testing. Allele origin: germline. Affected: yes.
Comment: In silico analysis, which includes protein predictors and evolutionary conservation, supports that this variant does not alter protein structure/function; Has not been previously published as pathogenic or benign to our knowledge